The following is an entry in ClinVar:

NM_013275.6(ANKRD11):c.7788_7804del (p.Asp2596fs)

Gene: ANKRD11 (ankyrin repeat domain containing 11; minus strand). Cytogenetic location: 16q24.3.
Variant type: Deletion.
Coding change: c.7788_7804del on transcript NM_013275.6 (MANE Select); coding-DNA positions 7788 to 7804, 17 bases deleted (CAAGTATGACCGCATGA).
Protein change: p.Asp2596fs; shifts the reading frame from aspartic acid 2596.
Molecular consequence: frameshift variant.
Genome position (GRCh38, 1-based): chr16:89,270,819-89,270,835, TCATGCGGTCATACTTG deleted on the plus strand (CAAGTATGACCGCATGA on the coding strand, the reverse complement: ANKRD11 is on the minus strand); deleting any 17 consecutive bases within chr16:89,270,819-89,270,839 gives the same sequence; the c. name uses the placement nearest the transcript's 3' end. VCF-style (leftmost placement, unchanged base first): chr16-89270818-TTCATGCGGTCATACTTG-T. GRCh37 (hg19) VCF-style: chr16-89337226-TTCATGCGGTCATACTTG-T.
Other names: c.7788_7804delCAAGTATGACCGCATGA (NM_013275.5); c.7788_7804del, p.Asp2596fs (NM_001256182.2, NM_001256183.2); short protein forms D2596fs.
Identifiers: ClinVar variation 422344 (VCV000422344.2), dbSNP rs1555521779, ClinGen allele CA16620301.

ClinVar aggregate classification (germline): Likely pathogenic (1 of 4 stars; one submission).

Submission:

GeneDx
Classification: Likely pathogenic. Last evaluated: 2016-09-21. Review status: criteria provided, single submitter. Criteria: GeneDx Variant Classification (06012015). Collection method: clinical testing. Allele origin: germline. Affected: yes.
Comment: The c.7788_7804del17 variant in the ANKRD11 gene has not been reported previously as apathogenic variant nor as a benign variant, to our knowledge. The c.7788_7804del17 variant causes aframeshift starting with codon Aspartic acid 2596, changes this amino acid to a Glutamic acid residue,and creates a premature Stop codon at position 148 of the new reading frame, denotedp.Asp2596GlufsX148. This frameshift variant replaces the typical last 68 amino acid residues in theankyrin repeat domain 11 protein with 147 different amino acid residues. This change is expected toalter the normal structure and function of the resultant protein. The c.7788_7804del17 variant wasnot observed in approximately 6500 individuals of European and African American ancestry in theNHLBI Exome Sequencing Project, indicating it is not a common benign variant in these populations. The c.7788_7804del17 variant is a strong candidate for a pathogenic variant.